The following is an entry in ClinVar:

NM_030912.3(TRIM8):c.1201G>A (p.Gly401Arg)

Gene: TRIM8 (tripartite motif containing 8; plus strand). Cytogenetic location: 10q24.32.
Variant type: single nucleotide variant.
Coding change: c.1201G>A on transcript NM_030912.3 (MANE Select); coding-DNA position 1201, G replaced by A.
Protein change: p.Gly401Arg; replaces glycine 401 with arginine.
Molecular consequence: missense variant. On other transcripts: non-coding transcript variant (1).
Genome position (GRCh38, 1-based): chr10:102,656,899, G>A. VCF-style: chr10-102656899-G-A. GRCh37 (hg19) VCF-style: chr10-104416656-G-A.
Other names: c.1105G>A, p.Gly369Arg (NM_001345950.1); short protein forms G401R, G369R.
Identifiers: ClinVar variation 1933450 (VCV001933450.5), dbSNP rs921786809, ClinGen allele CA212267284.

ClinVar aggregate classification (germline): Uncertain significance (1 of 4 stars; one submission).

Allele frequency attached by ClinVar (database versions not stated): TOPMed 0.00002; gnomAD 0.00003.
gnomAD v4.1: 5 of 1,594,364 alleles (0.00031%); highest among the groups gnomAD compares: African/African-American, 0.0054%; no homozygotes.

Submission:

Labcorp Genetics (formerly Invitae), Labcorp
Classification: Uncertain significance. Last evaluated: 2022-07-01. Review status: criteria provided, single submitter. Criteria: Invitae Variant Classification Sherloc (09022015). Collection method: clinical testing. Allele origin: germline.
Comment: In summary, the available evidence is currently insufficient to determine the role of this variant in disease. Therefore, it has been classified as a Variant of Uncertain Significance. Algorithms developed to predict the effect of missense changes on protein structure and function (SIFT, PolyPhen-2, Align-GVGD) all suggest that this variant is likely to be tolerated. This variant has not been reported in the literature in individuals affected with TRIM8-related conditions. This variant is present in population databases (no rsID available, gnomAD 0.02%). This sequence change replaces glycine, which is neutral and non-polar, with arginine, which is basic and polar, at codon 401 of the TRIM8 protein (p.Gly401Arg).